The following is an entry in ClinVar:

ClinVar aggregate classification (germline): Likely benign. Review status: criteria provided, multiple submitters, no conflicts (2 of 4 stars). 3 submissions from 3 submitters: Likely benign (3). Last evaluated 2026-01-25.

Conditions:
Hereditary cancer-predisposing syndrome. Also called: Hereditary Cancer Syndrome; Hereditary neoplastic syndrome; Neoplastic Syndromes, Hereditary; Tumor predisposition. Identifiers: Orphanet 140162, MedGen C0027672, MeSH D009386, MONDO:0015356.

Allele frequency attached by ClinVar (database versions not stated): gnomAD 0.00001; gnomAD exomes 0.00001; TOPMed 0.00002.
gnomAD v4.1: 17 of 1,613,552 alleles (0.0011%); highest among the groups gnomAD compares: Non-Finnish European, 0.0014%; no homozygotes.

Submissions (3):

Labcorp Genetics (formerly Invitae), Labcorp
Classification: Likely benign. Last evaluated: 2026-01-25. Review status: criteria provided, single submitter. Criteria: Invitae Variant Classification Sherloc (09022015). Collection method: clinical testing. Allele origin: germline.

Ambry Genetics
Classification: Likely benign for Hereditary cancer-predisposing syndrome. Last evaluated: 2016-06-15. Review status: criteria provided, single submitter. Criteria: Ambry Variant Classification Scheme 2023. Collection method: clinical testing. Allele origin: germline.

GeneDx
Classification: Likely benign. Last evaluated: 2016-06-03. Review status: criteria provided, single submitter. Criteria: GeneDx Variant Classification (06012015). Collection method: clinical testing. Allele origin: germline. Affected: yes.
Comment: This variant is considered likely benign or benign based on one or more of the following criteria: it is a conservative change, it occurs at a poorly conserved position in the protein, it is predicted to be benign by multiple in silico algorithms, and/or has population frequency not consistent with disease.

NM_006231.4(POLE):c.4932G>A (p.Ser1644=)

Gene: POLE (DNA polymerase epsilon, catalytic subunit; minus strand). Cytogenetic location: 12q24.33.
Variant type: single nucleotide variant.
Coding change: c.4932G>A on transcript NM_006231.4 (MANE Select); coding-DNA position 4932, G replaced by A.
Protein change: p.Ser1644=; no amino-acid change (serine 1644 retained).
Molecular consequence: synonymous variant.
Genome position (GRCh38, 1-based): chr12:132,642,526, C>T on the plus strand (G>A on the coding strand, the complement: POLE is on the minus strand). VCF-style: chr12-132642526-C-T. GRCh37 (hg19) VCF-style: chr12-133219112-C-T.
Identifiers: ClinVar variation 386811 (VCV000386811.16), dbSNP rs1057522607, ClinGen allele CA16606507.